The following is an entry in ClinVar:

ClinVar aggregate classification (germline): Uncertain significance. Review status: criteria provided, multiple submitters, no conflicts (2 of 4 stars). 3 submissions from 3 submitters: Uncertain significance (3). Last evaluated 2025-05-01.

Conditions:
Inborn genetic diseases. Identifiers: MedGen C0950123, MeSH D030342.
Hypopigmentation-punctate palmoplantar keratoderma syndrome. Also called: GUTTATE HYPOPIGMENTATION AND PUNCTATE PALMOPLANTAR KERATODERMA WITH OR WITHOUT ECTOPIC CALCIFICATION; Cole disease. Identifiers: Orphanet 324561, MedGen C3809781, MONDO:0014227, OMIM 615522.
Inherited obesity. Also called: Monogenic Obesity. Identifiers: Orphanet 77828, MedGen C4054476, MONDO:0019182, OMIM 601665.
Type 2 diabetes mellitus. Also called: Type II diabetes mellitus. Identifiers: MedGen C0011860, MeSH D003924, MONDO:0005148, OMIM 125853, HP:0005978.
Hypophosphatemic rickets, autosomal recessive, 2 (ARHR2). Identifiers: Orphanet 289176, MedGen C2750078, MONDO:0013219, OMIM 613312.
Arterial calcification, generalized, of infancy, 1 (GACI1). Also called: Idiopathic Infantile Arterial Calcification. Identifiers: Orphanet 51608, MedGen C4551985, MONDO:0008817, OMIM 208000.

Submissions (3):

Labcorp Genetics (formerly Invitae), Labcorp
Classification: Uncertain significance. Last evaluated: 2025-05-01. Review status: criteria provided, single submitter. Criteria: Invitae Variant Classification Sherloc (09022015). Collection method: clinical testing. Allele origin: germline.
Comment: This sequence change replaces glycine, which is neutral and non-polar, with arginine, which is basic and polar, at codon 554 of the ENPP1 protein (p.Gly554Arg). This variant is present in population databases (rs150601068, gnomAD 0.01%). This variant has not been reported in the literature in individuals affected with ENPP1-related conditions. ClinVar contains an entry for this variant (Variation ID: 3508600). Invitae Evidence Modeling of protein sequence and biophysical properties (such as structural, functional, and spatial information, amino acid conservation, physicochemical variation, residue mobility, and thermodynamic stability) indicates that this missense variant is expected to disrupt ENPP1 protein function with a positive predictive value of 80%. In summary, the available evidence is currently insufficient to determine the role of this variant in disease. Therefore, it has been classified as a Variant of Uncertain Significance.

Ambry Genetics
Classification: Uncertain significance for Inborn genetic diseases. Last evaluated: 2024-08-26. Review status: criteria provided, single submitter. Criteria: Ambry Variant Classification Scheme 2023. Collection method: clinical testing. Allele origin: germline.

Fulgent Genetics
Classification: Uncertain significance for Type 2 diabetes mellitus; Arterial calcification, generalized, of infancy, 1; Inherited obesity; Hypophosphatemic rickets, autosomal recessive, 2; Hypopigmentation-punctate palmoplantar keratoderma syndrome. Last evaluated: 2024-04-15. Review status: criteria provided, single submitter. Criteria: ACMG Guidelines, 2015. Collection method: clinical testing. Allele origin: germline.

NM_006208.3(ENPP1):c.1660G>A (p.Gly554Arg)

Gene: ENPP1 (ectonucleotide pyrophosphatase/phosphodiesterase 1; plus strand). Cytogenetic location: 6q23.2.
Variant type: single nucleotide variant.
Coding change: c.1660G>A on transcript NM_006208.3 (MANE Select); coding-DNA position 1660, G replaced by A.
Protein change: p.Gly554Arg; replaces glycine 554 with arginine.
Molecular consequence: missense variant.
Genome position (GRCh38, 1-based): chr6:131,875,800, G>A. VCF-style: chr6-131875800-G-A. GRCh37 (hg19) VCF-style: chr6-132196940-G-A.
Other names: short protein forms G554R.
Identifiers: ClinVar variation 3508600 (VCV003508600.3).